The following is an entry in ClinVar:

NM_001151.4(SLC25A4):c.523del (p.Gln175fs)

Gene: SLC25A4 (solute carrier family 25 member 4; plus strand). Cytogenetic location: 4q35.1.
Variant type: Deletion.
Coding change: c.523del on transcript NM_001151.4 (MANE Select); coding-DNA position 523, one base deleted (C; older notation c.523delC).
Protein change: p.Gln175fs; shifts the reading frame from glutamine 175.
Molecular consequence: frameshift variant.
Genome position (GRCh38, 1-based): chr4:185,145,175, C deleted; the last of 2 consecutive C bases (chr4:185,145,174-185,145,175); deleting either gives the same sequence. VCF-style (leftmost placement, unchanged base first): chr4-185145173-AC-A. GRCh37 (hg19) VCF-style: chr4-186066327-AC-A.
Other names: short protein forms Q175fs.
Identifiers: ClinVar variation 215174 (VCV000215174.13), dbSNP rs863224209, ClinGen allele CA320865.

ClinVar aggregate classification (germline): Pathogenic. Review status: criteria provided, multiple submitters, no conflicts (2 of 4 stars). 8 submissions from 8 submitters: Pathogenic (8). Last evaluated 2025-09-09.

Conditions:
SLC25A4-related disorder. Also called: SLC25A4-related condition.
Mitochondrial DNA depletion syndrome 12B (cardiomyopathic type), autosomal recessive. Also called: Mitochondrial DNA depletion syndrome 12B (cardiomyopathic type) AR. Identifiers: Orphanet 1369, MedGen C3809443, MONDO:0014175, OMIM 615418.
Progressive external ophthalmoplegia with mitochondrial DNA deletions, autosomal dominant 2. Also called: PROGRESSIVE EXTERNAL OPHTHALMOPLEGIA, AUTOSOMAL DOMINANT 2. Identifiers: MedGen C1836460, MONDO:0012238, OMIM 609283.

Submissions (8):

Labcorp Genetics (formerly Invitae), Labcorp
Classification: Pathogenic. Last evaluated: 2025-09-09. Review status: criteria provided, single submitter. Criteria: Invitae Variant Classification Sherloc (09022015). Collection method: clinical testing. Allele origin: germline.
Comment: This sequence change creates a premature translational stop signal (p.Gln175Argfs*38) in the SLC25A4 gene. It is expected to result in an absent or disrupted protein product. Loss-of-function variants in SLC25A4 are known to be pathogenic (PMID: 23401503, 25732997). This variant is present in population databases (no rsID available, gnomAD 0.002%). This premature translational stop signal has been observed in individual(s) with autosomal recessive mitochondrial DNA depletion syndrome (PMID: 23401503). It has also been observed to segregate with disease in related individuals. ClinVar contains an entry for this variant (Variation ID: 215174). For these reasons, this variant has been classified as Pathogenic.

Victorian Clinical Genetics Services, Murdoch Childrens Research Institute
Classification: Pathogenic for Mitochondrial DNA depletion syndrome 12B (cardiomyopathic type), autosomal recessive. Last evaluated: 2025-08-28. Review status: criteria provided, single submitter. Criteria: ACMG Guidelines, 2015. Collection method: clinical testing. Allele origin: germline. Affected: yes.
Comment: This variant is classified as Pathogenic. Evidence in support of pathogenic classification: Variant is predicted to cause nonsense-mediated decay (NMD) and loss of protein (premature termination codon is located at least 54 nucleotides upstream of the final exon-exon junction); Variant is present in gnomAD <0.01 (v4: 8 heterozygote(s), 0 homozygote(s)); This variant has strong previous evidence of pathogenicity in unrelated individuals. This variant has been classified as pathogenic by multiple clinical laboratories. This variant has also been reported in a large multi-generation family in homozygous individuals with SLC25A4-related symptoms (PMID: 23401503); Other NMD-predicted variant(s) comparable to the one identified in this case have strong previous evidence for pathogenicity (DECIPHER). Additional information: This variant is homozygous; This gene is associated with both recessive and dominant disease (OMIM); Loss of function is a known mechanism of disease in this gene. Variants associated with dominant mitochondrial DNA depletion syndrome 12A (cardiomyopathic type) (MIM#617184) have residual transport activity of around 3-24% and affect critical functional residues. Variants associated with recessive mitochondrial DNA depletion syndrome 12B (cardiomyopathic type) (MIM#615418) are complete null variants with <1% residual activity and likely trigger a compensatory mechanism. Variants associated with dominant progressive external ophthalmoplegia with mitochondrial DNA deletions 2 (MIM#609283) have around 24-56% residual activity and affect non-critical residues (PMID: 27693233); Inheritance information for this variant is not currently available in this individual.

PreventionGenetics, part of Exact Sciences
Classification: Pathogenic for SLC25A4-related condition. Last evaluated: 2025-07-14. Review status: criteria provided, single submitter. Criteria: ACMG Guidelines, 2015. Collection method: clinical testing. Allele origin: germline.
Comment: The SLC25A4 c.523delC variant is predicted to result in a frameshift and premature protein termination (p.Gln175Argfs*38). This variant has been reported in the homozygous state in multiple affected individuals from a single family with SLC25A4-related disease (Strauss et al 2013. PubMed ID: 23401503). This variant is reported in 0.0016% of alleles in individuals of European (Non-Finnish) descent in gnomAD. Frameshift variants in SLC25A4 are expected to be pathogenic. This variant is interpreted as pathogenic.

Blueprint Genetics
Classification: Pathogenic for SLC25A4-related disorders. Last evaluated: 2024-08-28. Review status: criteria provided, single submitter. Criteria: ACMG Guidelines, 2015. Collection method: clinical testing. Allele origin: germline. Affected: yes. Observed: 2 variant alleles.

Pittsburgh Clinical Genomics Laboratory, University of Pittsburgh Medical Center
Classification: Pathogenic for Progressive external ophthalmoplegia with mitochondrial DNA deletions, autosomal dominant 2. Last evaluated: 2024-05-29. Review status: criteria provided, single submitter. Criteria: ACMG Guidelines, 2015. Collection method: clinical testing. Allele origin: germline. Inheritance: Autosomal unknown. Affected: yes.
Comment: This sequence variant is a single nucleotide deletion (delC) in exon 2 of 4 of the SLC25A4 gene and results in an early termination signal 38 amino acids downstream of the frameshift at the Gln175 codon. This variant is predicted to generate a non-functional allele through either the expression of a truncated protein or a loss of solute carrier family 25 member 4 expression due to nonsense mediated decay. This is a previously reported variant (ClinVar 215174) that has been observed to segregate with cardiomyopathy when in the homozygous state in 10 individuals spanning a 13-generation pedigree (PMID: 23401503). When in the heterozygous state, this variant has been observed in an individual affected by bipolar disorder with a family history of cardiomyopathy (PMID: 29892051). The phenotypic consequence of this variant is variable and appears to be dependent on mtDNA lineage (PMID: 23401503, 30174309). This variant is present in 8 of 1,613,822 alleles (0.0005%) in the gnomAD v4.1.0 population dataset. Western blotting of this variant's product when expressed in murine cells is reduced relative to the wildtype suggesting that this variant's mRNA is degraded due to nonsense-mediated decay (PMID: 29892051). Loss of function variants in SLC25A4 are known to be pathogenic (PMID: 25732997, 23401503). Based upon the evidence, we consider this a pathogenic variant. ACMG Criteria: PM2, PP1, PVS1

Women's Health and Genetics/Laboratory Corporation of America, LabCorp
Classification: Pathogenic for Mitochondrial DNA depletion syndrome 12B (cardiomyopathic type), autosomal recessive. Last evaluated: 2023-07-31. Review status: criteria provided, single submitter. Criteria: LabCorp Variant Classification Summary - May 2015. Collection method: clinical testing. Allele origin: germline.
Comment: Variant summary: SLC25A4 c.523delC (p.Gln175ArgfsX38) results in a premature termination codon, predicted to cause a truncation of the encoded protein or absence of the protein due to nonsense mediated decay, which are commonly known mechanisms for disease. The variant allele was found at a frequency of 4e-06 in 251128 control chromosomes. c.523delC has been reported in the literature as a homozygous genotype in multiple individuals from a Mennonite pedigree affected with features of Mitochondrial DNA Depletion Syndrome 12B (Cardiomyopathic Type) AR (example, Strauss_2013). These data indicate that the variant is very likely to be associated with disease. The following publication have been ascertained in the context of this evaluation (PMID: 23401503). Two submitters have cited clinical-significance assessments for this variant to ClinVar after 2014. All submitters classified the variant as pathogenic. Based on the evidence outlined above, the variant was classified as pathogenic.

Athena Diagnostics
Classification: Pathogenic. Last evaluated: 2021-12-20. Review status: criteria provided, single submitter. Criteria: Athena Diagnostics Criteria. Collection method: clinical testing. Allele origin: unknown.
Comment: This variant is expected to result in the loss of a functional protein. The frequency of this variant in the general population is consistent with pathogenicity. This frameshift variant has been reported homozygous in members of a large family presenting with myopathy and cardiomyopathy (PMID: 23401503) consistent with autosomal recessive mitochondrial DNA depletion syndrome associated with this gene.

GeneDx
Classification: Pathogenic. Last evaluated: 2012-11-01. Review status: criteria provided, single submitter. Criteria: GeneDx Variant Classification (06012015). Collection method: clinical testing. Allele origin: germline. Affected: yes.
Comment: c.523delC:p.Gln175ArgfsX38 (Q175RfsX38) in exon 2 of the SLC25A4 gene (NM_001151.3) The c.523delC mutation in the SLC25A4 gene causes a frameshift starting with codon Glutamine 175, changes this amino acid to an Arginine residue and creates a premature Stop codon at position 38 of the new reading frame, denoted p.Gln175ArgfsX38. This mutation is predicted to cause loss of normal protein function either through protein truncation or nonsense-mediated mRNA decay. Although this mutation has not been previously reported to our knowledge, it is expected to be a disease-associated mutation. Mutations in the SLC25A4 gene are associated with autosomal dominant progressive external ophthalmoplegia with mitochondrial DNA deletions 2 (PEOA2) and with autosomal recessive mitochondrial myopathy and hypertrophic cardiomyopathy. The variant is found in MITONUC-MITOP panel(s).

Literature cited by the submitters: PubMed 23401503 (cited by 5 submitters); PubMed 25732997 (cited by Labcorp Genetics (formerly Invitae), Labcorp and Pittsburgh Clinical Genomics Laboratory, University of Pittsburgh Medical Center); PubMed 27693233 (cited by Victorian Clinical Genetics Services, Murdoch Childrens Research Institute); PubMed 30174309 (cited by Pittsburgh Clinical Genomics Laboratory, University of Pittsburgh Medical Center and Athena Diagnostics); PubMed 29892051 (cited by Pittsburgh Clinical Genomics Laboratory, University of Pittsburgh Medical Center and Athena Diagnostics); PubMed 31028937 (cited by Athena Diagnostics); PubMed 9207786 (cited by Athena Diagnostics).